The following is an entry in ClinVar:

ClinVar aggregate classification (germline): Uncertain significance (1 of 4 stars; one submission).

gnomAD v4.1: 1 of 1,597,370 alleles (0.000063%); highest among the groups gnomAD compares: South Asian, 0.0011%; no homozygotes.

Submission:

Labcorp Genetics (formerly Invitae), Labcorp
Classification: Uncertain significance. Last evaluated: 2022-06-29. Review status: criteria provided, single submitter. Criteria: Invitae Variant Classification Sherloc (09022015). Collection method: clinical testing. Allele origin: germline.
Comment: In summary, the available evidence is currently insufficient to determine the role of this variant in disease. Therefore, it has been classified as a Variant of Uncertain Significance. Algorithms developed to predict the effect of missense changes on protein structure and function are either unavailable or do not agree on the potential impact of this missense change (SIFT: "Tolerated"; PolyPhen-2: "Not Available"; Align-GVGD: "Class C0"). This variant has not been reported in the literature in individuals affected with PTPN23-related conditions. This variant is not present in population databases (gnomAD no frequency). This sequence change replaces arginine, which is basic and polar, with methionine, which is neutral and non-polar, at codon 730 of the PTPN23 protein (p.Arg730Met).

NM_015466.4(PTPN23):c.2189G>T (p.Arg730Met)

Gene: PTPN23 (protein tyrosine phosphatase non-receptor type 23; plus strand). Cytogenetic location: 3p21.31.
Variant type: single nucleotide variant.
Coding change: c.2189G>T on transcript NM_015466.4 (MANE Select); coding-DNA position 2189, G replaced by T.
Protein change: p.Arg730Met; replaces arginine 730 with methionine.
Molecular consequence: missense variant.
Genome position (GRCh38, 1-based): chr3:47,409,987, G>T. VCF-style: chr3-47409987-G-T. GRCh37 (hg19) VCF-style: chr3-47451477-G-T.
Other names: c.1811G>T, p.Arg604Met (NM_001304482.2); short protein forms R730M, R604M.
Identifiers: ClinVar variation 2005861 (VCV002005861.4), dbSNP rs371402807, ClinGen allele CA352557553.
Genomic context (GRCh38, chr3:47,409,987, plus strand): 5'-GGGAGCTGAAGAAGAAGCCGCCGCCACGGCCCACAGCCCCAAAGCCGCTGCTGCCCCGCA[G>T]GGAGGAGAGTGAGGCAGTGGAAGCAGGAGACCCCCCTGAGGAGCTGCGCAGCCTCCCCCC-3'
Protein context (NP_056281.1, residues 720-740): PTAPKPLLPR[Arg730Met]EESEAVEAGD